The following is an entry in ClinVar:

NM_000465.4(BARD1):c.415_416del (p.Lys139fs)

Gene: BARD1 (BRCA1 associated RING domain 1; minus strand). Cytogenetic location: 2q35.
Variant type: Deletion.
Coding change: c.415_416del on transcript NM_000465.4 (MANE Select); coding-DNA positions 415 to 416, 2 bases deleted (AA; older notation c.415_416delAA).
Protein change: p.Lys139fs; shifts the reading frame from lysine 139.
Molecular consequence: frameshift variant. On other transcripts: non-coding transcript variant (2), intron variant (3).
Genome position (GRCh38, 1-based): chr2:214,781,458-214,781,459, TT deleted on the plus strand (AA on the coding strand, the reverse complement: BARD1 is on the minus strand). VCF-style (leftmost placement, unchanged base first): chr2-214781457-CTT-C. GRCh37 (hg19) VCF-style: chr2-215646181-CTT-C.
Other names: c.358_359del, p.Lys120fs (NM_001282543.2); c.158+27953_158+27954del (NM_001282548.2); c.215+15602_215+15603del (NM_001282545.2); c.364+10838_364+10839del (NM_001282549.2); c.415_416delAA (NM_000465.2); short protein forms K139fs, K120fs.
Identifiers: ClinVar variation 631075 (VCV000631075.13), dbSNP rs1420243208, ClinGen allele CA764546579.

ClinVar aggregate classification (germline): Pathogenic. Review status: criteria provided, multiple submitters, no conflicts (2 of 4 stars). 4 submissions from 4 submitters: Pathogenic (4). Last evaluated 2023-10-19.

Conditions:
Hereditary cancer-predisposing syndrome. Also called: Tumor predisposition; Neoplastic Syndromes, Hereditary; Hereditary neoplastic syndrome; Hereditary Cancer Syndrome. Identifiers: Orphanet 140162, MedGen C0027672, MeSH D009386, MONDO:0015356.
Familial cancer of breast. Also called: hereditary breast carcinoma; BREAST CANCER, FAMILIAL; Hereditary breast cancer. Identifiers: Orphanet 227535, MedGen C0346153, MONDO:0016419, OMIM 114480. Disease mechanism: loss of function.

Allele frequency attached by ClinVar (database versions not stated): TOPMed 0.00001.

Submissions (4):

Myriad Genetics, Inc.
Classification: Pathogenic for Familial cancer of breast. Last evaluated: 2023-10-19. Review status: criteria provided, single submitter. Criteria: Myriad Autosomal Dominant, Autosomal Recessive and X-Linked Classification Criteria (2023). Collection method: clinical testing. Allele origin: unknown.
Comment: This variant is considered pathogenic. This variant creates a frameshift predicted to result in premature protein truncation.

Ambry Genetics
Classification: Pathogenic for Hereditary cancer-predisposing syndrome. Last evaluated: 2023-09-14. Review status: criteria provided, single submitter. Criteria: Ambry Variant Classification Scheme 2023. Collection method: clinical testing. Allele origin: germline.
Comment: The c.415_416delAA pathogenic mutation, located in coding exon 4 of the BARD1 gene, results from a deletion of two nucleotides at nucleotide positions 415 to 416, causing a translational frameshift with a predicted alternate stop codon (p.K139Efs*5). This variant is considered to be rare based on population cohorts in the Genome Aggregation Database (gnomAD). This alteration is expected to result in loss of function by premature protein truncation or nonsense-mediated mRNA decay. As such, this alteration is interpreted as a disease-causing mutation.

Labcorp Genetics (formerly Invitae), Labcorp
Classification: Pathogenic for Familial cancer of breast. Last evaluated: 2020-09-20. Review status: criteria provided, single submitter. Criteria: Invitae Variant Classification Sherloc (09022015). Collection method: clinical testing. Allele origin: germline.
Comment: For these reasons, this variant has been classified as Pathogenic. Loss-of-function variants in BARD1 are known to be pathogenic (PMID: 20077502, 21344236). This variant has not been reported in the literature in individuals with BARD1-related conditions. ClinVar contains an entry for this variant (Variation ID: 631075). This variant is not present in population databases (ExAC no frequency). This sequence change creates a premature translational stop signal (p.Lys139Glufs*5) in the BARD1 gene. It is expected to result in an absent or disrupted protein product.

Color Diagnostics, LLC DBA Color Health
Classification: Pathogenic for Hereditary cancer-predisposing syndrome. Last evaluated: 2020-05-20. Review status: criteria provided, single submitter. Criteria: ACMG Guidelines, 2015. Collection method: clinical testing. Allele origin: germline.
Comment: This variant deletes 2 nucleotides in exon 4 of the BARD1 gene, creating a frameshift and premature translation stop signal. This variant is expected to result in an absent or non-functional protein product. To our knowledge, this variant has not been reported in individuals affected with hereditary cancer in the literature. This variant has not been identified in the general population by the Genome Aggregation Database (gnomAD). Loss of BARD1 function is a known mechanism of disease. Based on the available evidence, this variant is classified as Pathogenic.

Literature cited by the submitters: PubMed 20077502 (cited by Labcorp Genetics (formerly Invitae), Labcorp); PubMed 21344236 (cited by Labcorp Genetics (formerly Invitae), Labcorp).